The following is an entry in ClinVar:

NM_001111125.3(IQSEC2):c.409G>A (p.Ala137Thr)

Gene: IQSEC2 (IQ motif and Sec7 domain ArfGEF 2; minus strand). Cytogenetic location: Xp11.22.
Variant type: single nucleotide variant.
Coding change: c.409G>A on transcript NM_001111125.3 (MANE Select); coding-DNA position 409, G replaced by A.
Protein change: p.Ala137Thr; replaces alanine 137 with threonine.
Molecular consequence: missense variant.
Genome position (GRCh38, 1-based): chrX:53,320,715, C>T on the plus strand (G>A on the coding strand, the complement: IQSEC2 is on the minus strand). VCF-style: chrX-53320715-C-T. GRCh37 (hg19) VCF-style: chrX-53349913-C-T.
Other names: short protein forms A137T.
Identifiers: ClinVar variation 1305151 (VCV001305151.5), dbSNP rs2146550740, ClinGen allele CA413239410.

ClinVar aggregate classification (germline): Uncertain significance. Review status: criteria provided, multiple submitters, no conflicts (2 of 4 stars). 2 submissions from 2 submitters: Uncertain significance (2). Last evaluated 2023-01-29.

Conditions:
Intellectual developmental disorder, X-linked 1. Also called: Atkin Flaitz Patil Smith syndrome; MENTAL RETARDATION, X-LINKED 18; MENTAL RETARDATION, X-LINKED 78; Intellectual disability, X-linked 1. Identifiers: Orphanet 777, MedGen C2931498, MONDO:0010656, OMIM 309530.

Submissions (2):

Labcorp Genetics (formerly Invitae), Labcorp
Classification: Uncertain significance for Intellectual developmental disorder, X-linked 1. Last evaluated: 2023-01-29. Review status: criteria provided, single submitter. Criteria: Invitae Variant Classification Sherloc (09022015). Collection method: clinical testing. Allele origin: germline.
Comment: In summary, the available evidence is currently insufficient to determine the role of this variant in disease. Therefore, it has been classified as a Variant of Uncertain Significance. Advanced modeling of protein sequence and biophysical properties (such as structural, functional, and spatial information, amino acid conservation, physicochemical variation, residue mobility, and thermodynamic stability) performed at Invitae indicates that this missense variant is not expected to disrupt IQSEC2 protein function. ClinVar contains an entry for this variant (Variation ID: 1305151). This variant has not been reported in the literature in individuals affected with IQSEC2-related conditions. This variant is not present in population databases (gnomAD no frequency). This sequence change replaces alanine, which is neutral and non-polar, with threonine, which is neutral and polar, at codon 137 of the IQSEC2 protein (p.Ala137Thr).

GeneDx
Classification: Uncertain significance. Last evaluated: 2019-04-24. Review status: criteria provided, single submitter. Criteria: GeneDx Variant Classification Process June 2021. Collection method: clinical testing. Allele origin: germline. Affected: yes.
Comment: Has not been previously published as pathogenic or benign to our knowledge; Not observed in large population cohorts (Lek et al., 2016); In silico analysis, which includes protein predictors and evolutionary conservation, supports that this variant does not alter protein structure/function